The following is an entry in ClinVar:

ClinVar aggregate classification (germline): Likely benign (0 of 4 stars; one submission).

Conditions:
XIST-related disorder. Also called: XIST-related condition.

Allele frequency attached by ClinVar (database versions not stated): 1000 Genomes Project 0.00079; 1000 Genomes Project 30x 0.00083; ExAC 0.00121; ESP Exome Variant Server 0.00133; gnomAD 0.00168; gnomAD exomes 0.00170.
gnomAD v4.1: 934 of 557,125 alleles (0.17%); highest among the groups gnomAD compares: Non-Finnish European, 0.28%; 1 homozygote.

Submission:

PreventionGenetics, part of Exact Sciences
Classification: Likely benign for XIST-related condition. Last evaluated: 2023-06-02. Review status: no assertion criteria provided. Collection method: clinical testing. Allele origin: germline.
Comment: This variant is classified as likely benign based on ACMG/AMP sequence variant interpretation guidelines (Richards et al. 2015 PMID: 25741868, with internal and published modifications).

NR_001564.3(XIST):n.6317C>A

Gene: XIST (X inactive specific transcript; minus strand). Cytogenetic location: Xq13.2.
Variant type: single nucleotide variant.
Genome position: GRCh38 VCF-style: chrX-73846398-G-T. GRCh37 (hg19) VCF-style: chrX-73066233-G-T.
Identifiers: ClinVar variation 3043452 (VCV003043452.2), dbSNP rs146057695, ClinGen allele CA10453246.